The following is an entry in ClinVar:

NM_001034850.3(RETREG1):c.20C>T (p.Pro7Leu)

Genes: RETREG1 (reticulophagy regulator 1; minus strand), RETREG1-AS1 (RETREG1 antisense RNA 1; plus strand), LOC129993734 (ATAC-STARR-seq lymphoblastoid silent region 15947; plus strand). Cytogenetic location: 5p15.1.
Variant type: single nucleotide variant.
Coding change: c.20C>T on transcript NM_001034850.3 (MANE Select); coding-DNA position 20, C replaced by T.
Protein change: p.Pro7Leu; replaces proline 7 with leucine.
Molecular consequence: missense variant.
Genome position (GRCh38, 1-based): chr5:16,616,952, G>A on the plus strand (C>T on the coding strand, the complement: RETREG1 is on the minus strand). VCF-style: chr5-16616952-G-A. GRCh37 (hg19) VCF-style: chr5-16617061-G-A.
Other names: short protein forms P7L.
Identifiers: ClinVar variation 1405241 (VCV001405241.8), dbSNP rs1186359476, ClinGen allele CA359293191.

ClinVar aggregate classification (germline): Uncertain significance (1 of 4 stars; one submission).

Allele frequency attached by ClinVar (database versions not stated): 1000 Genomes Project 30x 0.00016.
gnomAD v4.1: 3 of 1,444,008 alleles (0.00021%); highest among the groups gnomAD compares: South Asian, 0.0014%; no homozygotes.

Submission:

Labcorp Genetics (formerly Invitae), Labcorp
Classification: Uncertain significance. Last evaluated: 2021-05-03. Review status: criteria provided, single submitter. Criteria: Invitae Variant Classification Sherloc (09022015). Collection method: clinical testing. Allele origin: germline.
Comment: In summary, the available evidence is currently insufficient to determine the role of this variant in disease. Therefore, it has been classified as a Variant of Uncertain Significance. Algorithms developed to predict the effect of missense changes on protein structure and function are either unavailable or do not agree on the potential impact of this missense change (SIFT: "Tolerated"; PolyPhen-2: "Not Available"; Align-GVGD: "Class C0"). This variant has not been reported in the literature in individuals with RETREG1-related conditions. The frequency data for this variant in the population databases is considered unreliable, as metrics indicate insufficient coverage at this position in the ExAC database. This sequence change replaces proline with leucine at codon 7 of the RETREG1 protein (p.Pro7Leu). The proline residue is weakly conserved and there is a moderate physicochemical difference between proline and leucine.